The following is an entry in ClinVar:

ClinVar aggregate classification (germline): Uncertain significance (1 of 4 stars; one submission).

Conditions:
T-B+ severe combined immunodeficiency due to JAK3 deficiency. Also called: SCID, autosomal recessive, T-negative/B-positive type; SCID, T CELL-NEGATIVE, B CELL-POSITIVE, NK CELL-NEGATIVE. Identifiers: Orphanet 35078, MedGen C1833275, MONDO:0010938, OMIM 600802.

Submission:

Labcorp Genetics (formerly Invitae), Labcorp
Classification: Uncertain significance for T-B+ severe combined immunodeficiency due to JAK3 deficiency. Last evaluated: 2021-08-31. Review status: criteria provided, single submitter. Criteria: Invitae Variant Classification Sherloc (09022015). Collection method: clinical testing. Allele origin: germline.
Comment: This sequence change replaces alanine with threonine at codon 1032 of the JAK3 protein (p.Ala1032Thr). The alanine residue is weakly conserved and there is a small physicochemical difference between alanine and threonine. This variant is not present in population databases (ExAC no frequency). This variant has not been reported in the literature in individuals affected with JAK3-related conditions. Algorithms developed to predict the effect of missense changes on protein structure and function (SIFT, PolyPhen-2, Align-GVGD) all suggest that this variant is likely to be tolerated. In summary, the available evidence is currently insufficient to determine the role of this variant in disease. Therefore, it has been classified as a Variant of Uncertain Significance.

NM_000215.4(JAK3):c.3094G>A (p.Ala1032Thr)

Gene: JAK3 (Janus kinase 3; minus strand). Cytogenetic location: 19p13.11.
Variant type: single nucleotide variant.
Coding change: c.3094G>A on transcript NM_000215.4 (MANE Select); coding-DNA position 3094, G replaced by A.
Protein change: p.Ala1032Thr; replaces alanine 1032 with threonine.
Molecular consequence: missense variant.
Genome position (GRCh38, 1-based): chr19:17,830,505, C>T on the plus strand (G>A on the coding strand, the complement: JAK3 is on the minus strand). VCF-style: chr19-17830505-C-T. GRCh37 (hg19) VCF-style: chr19-17941314-C-T.
Other names: short protein forms A1032T.
Identifiers: ClinVar variation 940767 (VCV000940767.7), dbSNP rs2094211935, ClinGen allele CA404764378.